The following is an entry in ClinVar:

ClinVar aggregate classification (germline): Uncertain significance. Review status: criteria provided, multiple submitters, no conflicts (2 of 4 stars). 3 submissions from 3 submitters: Uncertain significance (3). Last evaluated 2025-07-21.

Conditions:
Aicardi-Goutieres syndrome 7 (AGS7). Identifiers: Orphanet 51, MedGen C3888244, MONDO:0014367, OMIM 615846.
Singleton-Merten syndrome 1 (SGMRT1). Also called: Widened medullary cavities of bone, aortic calcification, abnormal dentition, and muscular weakness; Syndrome of widened medullary cavities of the metacarpals and phalanges, aortic calcification and abnormal dentition. Identifiers: Orphanet 85191, MedGen C4225427, MONDO:0024535, OMIM 182250.
Inborn genetic diseases. Identifiers: MedGen C0950123, MeSH D030342.

Allele frequency attached by ClinVar (database versions not stated): gnomAD exomes below 0.00001; TOPMed 0.00001; gnomAD 0.00001.
gnomAD v4.1: 6 of 1,610,952 alleles (0.00037%); highest among the groups gnomAD compares: Non-Finnish European, 0.00051%; no homozygotes.

Submissions (3):

Labcorp Genetics (formerly Invitae), Labcorp
Classification: Uncertain significance for Aicardi-Goutieres syndrome 7; Singleton-Merten syndrome 1. Last evaluated: 2025-07-21. Review status: criteria provided, single submitter. Criteria: Invitae Variant Classification Sherloc (09022015). Collection method: clinical testing. Allele origin: germline.
Comment: This sequence change replaces leucine, which is neutral and non-polar, with proline, which is neutral and non-polar, at codon 525 of the IFIH1 protein (p.Leu525Pro). This variant is not present in population databases (gnomAD no frequency). This variant has not been reported in the literature in individuals affected with IFIH1-related conditions. ClinVar contains an entry for this variant (Variation ID: 1365960). Invitae Evidence Modeling of protein sequence and biophysical properties (such as structural, functional, and spatial information, amino acid conservation, physicochemical variation, residue mobility, and thermodynamic stability) has been performed for this missense variant. However, the output from this modeling did not meet the statistical confidence thresholds required to predict the impact of this variant on IFIH1 protein function. In summary, the available evidence is currently insufficient to determine the role of this variant in disease. Therefore, it has been classified as a Variant of Uncertain Significance.

GeneDx
Classification: Uncertain significance. Last evaluated: 2024-05-20. Review status: criteria provided, single submitter. Criteria: GeneDx Variant Classification Process June 2021. Collection method: clinical testing. Allele origin: germline. Affected: yes.
Comment: Not observed at significant frequency in large population cohorts (gnomAD); In silico analysis indicates that this missense variant does not alter protein structure/function; Has not been previously published as pathogenic or benign to our knowledge

Ambry Genetics
Classification: Uncertain significance for Inborn genetic diseases. Last evaluated: 2024-02-28. Review status: criteria provided, single submitter. Criteria: Ambry Variant Classification Scheme 2023. Collection method: clinical testing. Allele origin: germline.

NM_022168.4(IFIH1):c.1574T>C (p.Leu525Pro)

Gene: IFIH1 (interferon induced with helicase C domain 1; minus strand). Cytogenetic location: 2q24.2.
Variant type: single nucleotide variant.
Coding change: c.1574T>C on transcript NM_022168.4 (MANE Select); coding-DNA position 1574, T replaced by C.
Protein change: p.Leu525Pro; replaces leucine 525 with proline.
Molecular consequence: missense variant.
Genome position (GRCh38, 1-based): chr2:162,280,063, A>G on the plus strand (T>C on the coding strand, the complement: IFIH1 is on the minus strand). VCF-style: chr2-162280063-A-G. GRCh37 (hg19) VCF-style: chr2-163136573-A-G.
Other names: c.1574T>C (NM_022168.2, NM_022168.3); short protein forms L525P.
Identifiers: ClinVar variation 1365960 (VCV001365960.10), dbSNP rs1390303966, ClinGen allele CA349001093.
Genomic context (GRCh38, chr2:162,280,063, plus strand): 5'-GTTGCATCTGCAATGGCAAACTTCTTGCATGGCTCCTGTATTTGGTTTTTCAGTTGATCA[A>G]GGTTTTCTTTAACAGTTTTAATAGTAAATGCATCAAGATTGGCACATAGCTGGAAAAGAG-3'
Protein context (NP_071451.2, residues 515-535): AFTIKTVKEN[Leu525Pro]DQLKNQIQEP